The following is an entry in ClinVar:

NM_001005388.3(NFASC):c.526A>G (p.Met176Val)

Gene: NFASC (neurofascin; plus strand). Cytogenetic location: 1q32.1.
Variant type: single nucleotide variant.
Coding change: c.526A>G on transcript NM_001005388.3 (MANE Select); coding-DNA position 526, A replaced by G.
Protein change: p.Met176Val; replaces methionine 176 with valine.
Molecular consequence: missense variant. On other transcripts: non-coding transcript variant (1).
Genome position (GRCh38, 1-based): chr1:204,954,942, A>G. VCF-style: chr1-204954942-A-G. GRCh37 (hg19) VCF-style: chr1-204924070-A-G.
Other names: c.526A>G, p.Met176Val (NM_001005389.2, NM_001378329.1); c.508A>G, p.Met170Val (NM_001160331.2, NM_001160332.2, NM_001160333.2 and 4 more transcripts); short protein forms M170V, M176V.
Identifiers: ClinVar variation 3236445 (VCV003236445.2), dbSNP rs2548138459, ClinGen allele CA344380920.

ClinVar aggregate classification (germline): Uncertain significance (1 of 4 stars; one submission).

Conditions:
Neurodevelopmental disorder with central and peripheral motor dysfunction. Identifiers: MedGen C5193049, MONDO:0032698, OMIM 618356.

Submission:

Neuberg Centre For Genomic Medicine, NCGM
Classification: Uncertain significance for Neurodevelopmental disorder with central and peripheral motor dysfunction. Review status: criteria provided, single submitter. Criteria: ACMG Guidelines, 2015. Collection method: clinical testing. Allele origin: germline. Inheritance: Autosomal recessive inheritance. Affected: yes.
Comment: The missense c.526A>G p.Met176Val variant in NFASC gene has not been reported previously as a pathogenic variant nor as a benign variant, to our knowledge. The p.Met176Val variant is novel not in any individuals in both gnomAD Exomes and 1000 Genomes databases. This variant has not been reported to the ClinVar database. The amino acid change p.Met176Val in NFASC is predicted as conserved by GERP++ and PhyloP across 100 vertebrates. The amino acid Met at position 176 is changed to a Val changing protein sequence and it might alter its composition and physico-chemical properties. For these reasons, this variant has been classified as a Variant of Uncertain Significance VUS.